The following is an entry in ClinVar:

NM_001297.5(CNGB1):c.3158A>C (p.Asn1053Thr)

Gene: CNGB1 (cyclic nucleotide gated channel subunit beta 1; minus strand). Cytogenetic location: 16q21.
Variant type: single nucleotide variant.
Coding change: c.3158A>C on transcript NM_001297.5 (MANE Select); coding-DNA position 3158, A replaced by C.
Protein change: p.Asn1053Thr; replaces asparagine 1053 with threonine.
Molecular consequence: missense variant.
Genome position (GRCh38, 1-based): chr16:57,897,481, T>G on the plus strand (A>C on the coding strand, the complement: CNGB1 is on the minus strand). VCF-style: chr16-57897481-T-G. GRCh37 (hg19) VCF-style: chr16-57931385-T-G.
Other names: c.3140A>C, p.Asn1047Thr (NM_001286130.2); short protein forms N1047T, N1053T.
Identifiers: ClinVar variation 850182 (VCV000850182.9), dbSNP rs1299863739, ClinGen allele CA396066455.

ClinVar aggregate classification (germline): Uncertain significance (1 of 4 stars; one submission).

Submission:

Labcorp Genetics (formerly Invitae), Labcorp
Classification: Uncertain significance. Last evaluated: 2019-12-05. Review status: criteria provided, single submitter. Criteria: Invitae Variant Classification Sherloc (09022015). Collection method: clinical testing. Allele origin: germline.
Comment: In summary, the available evidence is currently insufficient to determine the role of this variant in disease. Therefore, it has been classified as a Variant of Uncertain Significance. Algorithms developed to predict the effect of missense changes on protein structure and function are either unavailable or do not agree on the potential impact of this missense change (SIFT: "Tolerated"; PolyPhen-2: "Possibly Damaging"; Align-GVGD: "Class C0"). This variant has not been reported in the literature in individuals with CNGB1-related conditions. This variant is not present in population databases (ExAC no frequency). This sequence change replaces asparagine with threonine at codon 1053 of the CNGB1 protein (p.Asn1053Thr). The asparagine residue is highly conserved and there is a small physicochemical difference between asparagine and threonine.